The following is an entry in ClinVar:

ClinVar aggregate classification (germline): Conflicting classifications of pathogenicity. Review status: criteria provided, conflicting classifications (1 of 4 stars). 3 submissions from 3 submitters: Uncertain significance (2); Likely benign (1). Last evaluated 2025-12-03.

Allele frequency attached by ClinVar (database versions not stated): gnomAD exomes below 0.00001; gnomAD 0.00001; TOPMed 0.00001.
gnomAD v4.1: 6 of 1,611,508 alleles (0.00037%); highest among the groups gnomAD compares: East Asian, 0.0067%; no homozygotes.

Submissions (3):

Ambry Genetics
Classification: Uncertain significance. Last evaluated: 2025-12-03. Review status: criteria provided, single submitter. Criteria: Ambry Variant Classification Scheme 2023. Collection method: clinical testing. Allele origin: germline.

Labcorp Genetics (formerly Invitae), Labcorp
Classification: Uncertain significance. Last evaluated: 2024-12-16. Review status: criteria provided, single submitter. Criteria: Invitae Variant Classification Sherloc (09022015). Collection method: clinical testing. Allele origin: germline.
Comment: This sequence change replaces cysteine, which is neutral and slightly polar, with arginine, which is basic and polar, at codon 1549 of the CASZ1 protein (p.Cys1549Arg). This variant is present in population databases (no rsID available, gnomAD 0.06%). This variant has not been reported in the literature in individuals affected with CASZ1-related conditions. ClinVar contains an entry for this variant (Variation ID: 3020694). An algorithm developed to predict the effect of missense changes on protein structure and function outputs the following: PolyPhen-2: "Benign". The arginine amino acid residue is found in multiple mammalian species, which suggests that this missense change does not adversely affect protein function. In summary, the available evidence is currently insufficient to determine the role of this variant in disease. Therefore, it has been classified as a Variant of Uncertain Significance.

Blueprint Genetics
Classification: Likely benign. Last evaluated: 2024-06-18. Review status: criteria provided, single submitter. Criteria: ACMG Guidelines, 2015. Collection method: clinical testing. Allele origin: germline.

NM_001079843.3(CASZ1):c.4645T>C (p.Cys1549Arg)

Gene: CASZ1 (castor zinc finger 1; minus strand). Cytogenetic location: 1p36.22.
Variant type: single nucleotide variant.
Coding change: c.4645T>C on transcript NM_001079843.3 (MANE Select); coding-DNA position 4645, T replaced by C.
Protein change: p.Cys1549Arg; replaces cysteine 1549 with arginine.
Molecular consequence: missense variant.
Genome position (GRCh38, 1-based): chr1:10,639,577, A>G on the plus strand (T>C on the coding strand, the complement: CASZ1 is on the minus strand). VCF-style: chr1-10639577-A-G. GRCh37 (hg19) VCF-style: chr1-10699634-A-G.
Other names: c.4645T>C (NM_001079843.1); short protein forms C1549R.
Identifiers: ClinVar variation 3020694 (VCV003020694.5), dbSNP rs1416747207, ClinGen allele CA338345992.